The following is an entry in ClinVar:

NM_004789.4(LHX2):c.778T>C (p.Tyr260His)

Gene: LHX2 (LIM homeobox 2; plus strand). Cytogenetic location: 9q33.3.
Variant type: single nucleotide variant.
Coding change: c.778T>C on transcript NM_004789.4 (MANE Select); coding-DNA position 778, T replaced by C.
Protein change: p.Tyr260His; replaces tyrosine 260 with histidine.
Molecular consequence: missense variant.
Genome position (GRCh38, 1-based): chr9:124,021,149, T>C. VCF-style: chr9-124021149-T-C. GRCh37 (hg19) VCF-style: chr9-126783428-T-C.
Other names: short protein forms Y260H.
Identifiers: ClinVar variation 4281878 (VCV004281878.1).

ClinVar aggregate classification (germline): Uncertain significance (1 of 4 stars; one submission).

Submission:

GeneDx
Classification: Uncertain significance. Last evaluated: 2025-04-09. Review status: criteria provided, single submitter. Criteria: GeneDx Variant Classification Process June 2021. Collection method: clinical testing. Allele origin: germline. Affected: yes.
Comment: Not observed at significant frequency in large population cohorts (gnomAD); In silico analysis indicates that this missense variant does not alter protein structure/function; Has not been previously published as pathogenic or benign to our knowledge